The following continues an entry in ClinVar:

NM_001370259.2(MEN1):c.784-9G>A

Gene: MEN1. ClinVar aggregate classification (germline): Pathogenic/Likely pathogenic. Pathogenic (15); Likely pathogenic (1).

Submissions 10 to 18 of 18:

GeneDx
Classification: Pathogenic. Last evaluated: 2024-03-29. Review status: criteria provided, single submitter. Criteria: GeneDx Variant Classification Process June 2021. Collection method: clinical testing. Allele origin: germline. Affected: yes.
Comment: Published functional studies demonstrate a damaging effect: aberrant mRNA splicing through creation of a new splice site (PMID: 12050235, 10861493, 10424788); In silico analysis supports a deleterious effect on splicing; Not observed in large population cohorts (gnomAD); Also known as 5178-9G>A, 5168G>A, and 894-9G>A; This variant is associated with the following publications: (PMID: 10090472, 29036195, 23933118, 10617276, 15281352, 15717658, 11740047, 10576763, 34758253, 22470073, 9935177, 10424788, 20833329, 25309785, 21916912, 25332762, 21340165, 26180530, 22447146, 23052745, 15619041, 14648742, 10861493, 9463336, 17879353, 12050235, 28870973, 30324798, 30795813, 29497973, 24443791, 32715272)

Blueprint Genetics
Classification: Pathogenic for MEN1-related disorders. Last evaluated: 2023-12-27. Review status: criteria provided, single submitter. Criteria: ACMG Guidelines, 2015. Collection method: clinical testing. Allele origin: germline. Affected: yes. Observed: 2 variant alleles.

Ambry Genetics
Classification: Pathogenic for Hereditary cancer-predisposing syndrome. Last evaluated: 2023-11-13. Review status: criteria provided, single submitter. Criteria: Ambry Variant Classification Scheme 2023. Collection method: clinical testing. Allele origin: germline.
Comment: The c.784-9G>A intronic mutation results from a G to A substitution 9 nucleotides upstream from coding exon 4 in the MEN1 gene. This alteration has been seen in multiple, unrelated patients and families with MEN1 and has been shown to co-segregate with disease (Kishi M et al. Cancer Lett.1999 Jul;142(1):105-10; Hai N et al. Eur. J. Endocrinol. 1999 Nov;141(5):475-80; Turner JJ et al. J. Clin. Endocrinol. Metab. 2002 Jun;87(6):2688-93; Ambry internal data). In addition, RT-PCR analysis demonstrated that this mutation creates a novel splice acceptor site seven base pairs upstream of the native acceptor site. This results in a frameshift and a subsequence premature stop codon (Kishi M et al. Cancer Lett. 1999 Jul;142(1):105-10; Turner JJ et al. J. Clin. Endocrinol. Metab. 2002 Jun;87(6):2688-93; Ambry internal data ). This variant is considered to be rare based on population cohorts in the Genome Aggregation Database (gnomAD). Of note, this alteration is also designated as 894-9G>A or IVS4-9G>A in published literature. Based on the supporting evidence, this alteration is interpreted as a disease-causing mutation.

Myriad Genetics, Inc.
Classification: Pathogenic for Multiple endocrine neoplasia, type 1. Last evaluated: 2023-07-07. Review status: criteria provided, single submitter. Criteria: Myriad Autosomal Dominant, Autosomal Recessive and X-Linked Classification Criteria (2023). Collection method: clinical testing. Allele origin: unknown.
Comment: This variant is considered pathogenic. mRNA analysis has demonstrated abnormal mRNA splicing occurs [PMID: 12050235, 10424788, 10090472]. This variant has been reported in multiple individuals with clinical features of gene-specific disease [PMID: 17879353, 35407574, 21340165, 28298337].

Dasa
Classification: Likely pathogenic for Multiple endocrine neoplasia, type 1. Last evaluated: 2022-02-14. Review status: criteria provided, single submitter. Criteria: ACMG Guidelines, 2015. Collection method: clinical testing. Allele origin: germline. Affected: yes. Observed: 1 variant allele.
Comment: This sequence change has been observed in affected individual(s) and ClinVar contains an entry for this variant (ClinVar ID: 200981; OMIM: 613733.0024; PMID: 10424788, 10090472, 12050235, 17879353, 22470073; 15730416) - PS4. This variant is not present in population databases (rs794728625, gnomAD; ABraOM no frequency) - PM2. The variant co-segregated with disease in multiple affected family members (PMID: 12050235; 21340165) - PP1. Multiple lines of computational evidence support a deleterious effect on the gene or gene product - PP3. In summary, the currently available evidence indicates that the variant is likely pathogenic.

Mendelics
Classification: Pathogenic for Multiple endocrine neoplasia, type 1. Last evaluated: 2018-07-02. Review status: criteria provided, single submitter. Criteria: Mendelics Assertion Criteria 2017. Collection method: clinical testing. Allele origin: unknown.

Center for Human Genetics, Inc
Classification: Pathogenic for Multiple endocrine neoplasia, type 1. Last evaluated: 2016-11-01. Review status: criteria provided, single submitter. Criteria: ACMG Guidelines, 2015. Collection method: clinical testing. Allele origin: germline. Affected: yes.

OMIM
Classification: Pathogenic for MULTIPLE ENDOCRINE NEOPLASIA, TYPE I. Last evaluated: 2002-06-01. Review status: no assertion criteria provided. Collection method: literature only. Allele origin: germline. Not counted in ClinVar's aggregate classification.

Genomics England Pilot Project, Genomics England
Classification: Likely pathogenic for Multiple endocrine neoplasia, type 1. Review status: no assertion criteria provided. Criteria: ACGS Guidelines, 2016. Collection method: clinical testing. Allele origin: germline. Affected: yes. Not counted in ClinVar's aggregate classification.

Literature cited by the submitters: PubMed 10090472 (cited by 6 submitters); PubMed 10424788 (cited by 8 submitters); PubMed 12050235 (cited by 9 submitters); PubMed 17879353 (cited by 5 submitters); PubMed 22470073 (cited by 5 submitters); PubMed 10861493 (cited by 4 submitters); PubMed 10576763 (cited by 4 submitters); PubMed 14648742 (cited by Mayo Clinic Laboratories, Mayo Clinic); PubMed 30324798 (cited by Mayo Clinic Laboratories, Mayo Clinic and Quest Diagnostics Nichols Institute San Juan Capistrano); PubMed 30795813 (cited by Mayo Clinic Laboratories, Mayo Clinic); PubMed 37484956 (cited by Mayo Clinic Laboratories, Mayo Clinic); PubMed 37761922 (cited by Mayo Clinic Laboratories, Mayo Clinic and Quest Diagnostics Nichols Institute San Juan Capistrano); PubMed 9463336 (cited by Women's Health and Genetics/Laboratory Corporation of America, LabCorp and Quest Diagnostics Nichols Institute San Juan Capistrano); PubMed 10027401 (cited by Women's Health and Genetics/Laboratory Corporation of America, LabCorp); PubMed 9935177 (cited by 4 submitters); PubMed 11579199 (cited by Women's Health and Genetics/Laboratory Corporation of America, LabCorp); PubMed 10617276 (cited by Women's Health and Genetics/Laboratory Corporation of America, LabCorp); PubMed 10993647 (cited by Women's Health and Genetics/Laboratory Corporation of America, LabCorp); PubMed 10534569 (cited by Women's Health and Genetics/Laboratory Corporation of America, LabCorp); PubMed 16563611 (cited by Center for Genomic Medicine, Rigshospitalet, Copenhagen University Hospital and Quest Diagnostics Nichols Institute San Juan Capistrano); PubMed 15730416 (cited by Quest Diagnostics Nichols Institute San Juan Capistrano and Dasa); PubMed 21340165 (cited by 3 submitters); PubMed 17388795 (cited by Quest Diagnostics Nichols Institute San Juan Capistrano); PubMed 17235589 (cited by Quest Diagnostics Nichols Institute San Juan Capistrano); PubMed 16699310 (cited by Quest Diagnostics Nichols Institute San Juan Capistrano); PubMed 16430712 (cited by Quest Diagnostics Nichols Institute San Juan Capistrano); PubMed 35407574 (cited by Quest Diagnostics Nichols Institute San Juan Capistrano and Myriad Genetics, Inc.); PubMed 32715272 (cited by Quest Diagnostics Nichols Institute San Juan Capistrano); PubMed 26180530 (cited by Quest Diagnostics Nichols Institute San Juan Capistrano); PubMed 29036195 (cited by Quest Diagnostics Nichols Institute San Juan Capistrano); PubMed 28870973 (cited by Quest Diagnostics Nichols Institute San Juan Capistrano and Ambry Genetics); PubMed 23052745 (cited by Ambry Genetics); PubMed 28298337 (cited by Myriad Genetics, Inc.).